The following is an entry in ClinVar:

NM_000138.5(FBN1):c.6416A>G (p.His2139Arg)

Gene: FBN1 (fibrillin 1; minus strand). Cytogenetic location: 15q21.1.
Variant type: single nucleotide variant.
Coding change: c.6416A>G on transcript NM_000138.5 (MANE Select); coding-DNA position 6416, A replaced by G.
Protein change: p.His2139Arg; replaces histidine 2139 with arginine.
Molecular consequence: missense variant.
Genome position (GRCh38, 1-based): chr15:48,437,041, T>C on the plus strand (A>G on the coding strand, the complement: FBN1 is on the minus strand). VCF-style: chr15-48437041-T-C. GRCh37 (hg19) VCF-style: chr15-48729238-T-C.
Other names: p.H2139R:CAT>CGT; short protein forms H2139R.
Identifiers: ClinVar variation 200082 (VCV000200082.16), dbSNP rs794728248, ClinGen allele CA016430.
Genomic context (GRCh38, chr15:48,437,041, plus strand): 5'-AGAATATAACCAAAGGGACACTCGCAGCGATAGGAACCATCTGTATTGATGCACTGTCCA[T>C]GTTTACAGACATCGGGTTCTTTGCATTCGTCCATATCTTAAGCAAGAGAAAAAAAATAGT-3'
Protein context (NP_000129.3, residues 2129-2149): DECKEPDVCK[His2139Arg]GQCINTDGSY

ClinVar aggregate classification (germline): Uncertain significance. Review status: criteria provided, multiple submitters, no conflicts (2 of 4 stars). 7 submissions from 7 submitters: Uncertain significance (7). Last evaluated 2025-08-04.

Conditions:
Marfan syndrome (MFS). Also called: Marfan syndrome, classic; FBN1-Related Marfan Syndrome; Marfan syndrome type 1; Marfan's syndrome; MARFAN SYNDROME, TYPE I. Identifiers: Orphanet 284963, Orphanet 558, MedGen C0024796, MONDO:0007947, OMIM 154700.
MASS syndrome (OCTD). Also called: OVERLAP CONNECTIVE TISSUE DISEASE; MASS PHENOTYPE. Identifiers: MedGen C1858556, MONDO:0011431, OMIM 604308.
Weill-Marchesani syndrome 2, dominant. Also called: Weill-Marchesani Syndrome, Autosomal Dominant; FBN1-Related Weill-Marchesani Syndrome. Identifiers: Orphanet 2084, MedGen C1869115, MONDO:0012013, OMIM 608328.
Acromicric dysplasia (ACMICD). Also called: Acromicric skeletal dysplasia. Identifiers: Orphanet 969, MedGen C0265287, MONDO:0007055, OMIM 102370.
Ectopia lentis 1, isolated, autosomal dominant (ECTOL1). Identifiers: Orphanet 1885, MedGen C3541518, MONDO:0007514, OMIM 129600.
Stiff skin syndrome (SSKS). Identifiers: Orphanet 2833, MedGen C1861456, MONDO:0008492, OMIM 184900.
Geleophysic dysplasia 2 (GPHYSD2). Identifiers: Orphanet 2623, MedGen C3280054, MONDO:0013612, OMIM 614185.
Progeroid and marfanoid aspect-lipodystrophy syndrome. Also called: MARFANOID-PROGEROID SYNDROME; MARFAN-PROGEROID-LIPODYSTROPHY SYNDROME; Marfan lipodystrophy syndrome; MARFANOID-PROGEROID-LIPODYSTROPHY SYNDROME. Identifiers: Orphanet 300382, MedGen C4310796, MONDO:0014831, OMIM 616914.
Familial thoracic aortic aneurysm and aortic dissection (TAAD). Also called: Thoracic aortic aneurysms and dissections. Identifiers: Orphanet 91387, MedGen C4707243, MONDO:0019625.

Allele frequency attached by ClinVar (database versions not stated): gnomAD exomes 0.00001; TOPMed below 0.00001.
gnomAD v4.1: 22 of 1,613,452 alleles (0.0014%); highest among the groups gnomAD compares: Middle Eastern, 0.017%; no homozygotes.

Submissions (7):

Color Diagnostics, LLC DBA Color Health
Classification: Uncertain significance for Familial thoracic aortic aneurysm and aortic dissection. Last evaluated: 2025-08-04. Review status: criteria provided, single submitter. Criteria: ACMG Guidelines, 2015. Collection method: clinical testing. Allele origin: germline.
Comment: This missense variant replaces histidine with arginine at codon 2139 of the FBN1 protein. Computational prediction suggests that this variant may not impact protein structure and function. To our knowledge, functional studies have not been reported for this variant. This variant has been reported in an individual affected with pediatric myocarditis and dilated cardiomyopathy (PMID: 35877578). This variant has been identified in 2/250946 chromosomes in the general population by the Genome Aggregation Database (gnomAD). The available evidence is insufficient to determine the role of this variant in disease conclusively. Therefore, this variant is classified as a Variant of Uncertain Significance.

Labcorp Genetics (formerly Invitae), Labcorp
Classification: Uncertain significance for Marfan syndrome; Familial thoracic aortic aneurysm and aortic dissection. Last evaluated: 2024-11-08. Review status: criteria provided, single submitter. Criteria: Invitae Variant Classification Sherloc (09022015). Collection method: clinical testing. Allele origin: germline.
Comment: This sequence change replaces histidine, which is basic and polar, with arginine, which is basic and polar, at codon 2139 of the FBN1 protein (p.His2139Arg). This variant is present in population databases (rs794728248, gnomAD 0.002%). This missense change has been observed in individual(s) with FBN1-related conditions (PMID: 35877578). ClinVar contains an entry for this variant (Variation ID: 200082). Invitae Evidence Modeling of protein sequence and biophysical properties (such as structural, functional, and spatial information, amino acid conservation, physicochemical variation, residue mobility, and thermodynamic stability) has been performed for this missense variant. However, the output from this modeling did not meet the statistical confidence thresholds required to predict the impact of this variant on FBN1 protein function. In summary, the available evidence is currently insufficient to determine the role of this variant in disease. Therefore, it has been classified as a Variant of Uncertain Significance.

Revvity Omics, Revvity
Classification: Uncertain significance. Last evaluated: 2024-06-18. Review status: criteria provided, single submitter. Criteria: ACMG Guidelines, 2015. Collection method: clinical testing. Allele origin: germline.

All of Us Research Program, National Institutes of Health
Classification: Uncertain significance for Marfan syndrome. Last evaluated: 2024-01-03. Review status: criteria provided, single submitter. Criteria: ACMG Guidelines, 2015. Collection method: clinical testing. Allele origin: germline. Inheritance: Autosomal dominant inheritance. Observed: 5 variant alleles, 5 heterozygotes.
Comment: This missense variant replaces histidine with arginine at codon 2139 of the FBN1 protein. Computational prediction suggests that this variant may not impact protein structure and function (internally defined REVEL score threshold <= 0.5, PMID: 27666373). To our knowledge, functional studies have not been reported for this variant. This variant has been reported in an individual affected with pediatric myocarditis and dilated cardiomyopathy (PMID: 35877578). This variant has been identified in 2/250946 chromosomes in the general population by the Genome Aggregation Database (gnomAD). The available evidence is insufficient to determine the role of this variant in disease conclusively. Therefore, this variant is classified as a Variant of Uncertain Significance.

This study involves interpretation of variants in research participants for the purpose of population health screening. Participant phenotype was not available at the time of variant classification. Additional details can be found in publication PMID: 35346344, PMCID: PMC8962531

Fulgent Genetics
Classification: Uncertain significance for Acromicric dysplasia; Ectopia lentis 1, isolated, autosomal dominant; Marfan syndrome; Stiff skin syndrome; MASS syndrome; Weill-Marchesani syndrome 2, dominant; Geleophysic dysplasia 2; Progeroid and marfanoid aspect-lipodystrophy syndrome. Last evaluated: 2022-02-09. Review status: criteria provided, single submitter. Criteria: ACMG Guidelines, 2015. Collection method: clinical testing. Allele origin: unknown.

Women's Health and Genetics/Laboratory Corporation of America, LabCorp
Classification: Uncertain significance. Last evaluated: 2016-08-26. Review status: criteria provided, single submitter. Criteria: LabCorp Variant Classification Summary - May 2015. Collection method: clinical testing. Allele origin: germline.
Comment: Variant summary: The FBN1 c.6416A>G (p.His2139Arg) variant located in the EGF-like 36 calcium-binding domain causes a missense change involving a conserved nucleotide with 3/5 in silico tools predicting a "damaging" outcome, although these predictions have yet to be functionally assessed. The variant of interest was not observed in controls (ExAC, 1000 Gs, or ESP), nor has it been, to our knowledge, reported in affected individuals via publications. A clinical laboratory has cited the variant as "uncertain significance." Therefore, due to limited available information (ie, lack of clinical and functional studies), the variant of interest has been classified as a "Variant of Uncertain Significance (VUS)," until additional information becomes available.

GeneDx
Classification: Uncertain significance. Last evaluated: 2016-01-11. Review status: criteria provided, single submitter. Criteria: GeneDx Variant Classification (06012015). Collection method: clinical testing. Allele origin: germline. Affected: yes.
Comment: The H2139R variant has not been published as a pathogenic variant or been reported as a benign polymorphism to our knowledge. The H2139R variant is a conservative amino acid substitution, which is not likely to impact secondary protein structure as these residues share similar properties. This substitution occurs at a position that is conserved in mammalian species within the EGF-like 36 calcium-binding domain of the protein. In silico analysis is inconsistent in its predictions as to whether or not the variant is damaging to the protein structure/function. However, missense mutations in nearby residues (E2130K, V2136D, G2140R, G2140E, C2142Y) have been reported in association with Marfan syndrome, supporting the functional importance of this region of the protein. Furthermore, the H2139R variant was not observed in approximately 6,500 individuals of European and African American ancestry in the NHLBI Exome Sequencing Project, indicating it is not a common benign variant in these populations.Therefore, based on the currently available information, it is unclear whether this variant is a pathogenic variant or a rare benign variant.

Literature cited by the submitters: PubMed 35877578 (cited by 3 submitters).